The following is an entry in ClinVar:

ClinVar aggregate classification (germline): Uncertain significance (1 of 4 stars; one submission).

Submission:

Labcorp Genetics (formerly Invitae), Labcorp
Classification: Uncertain significance. Last evaluated: 2019-07-23. Review status: criteria provided, single submitter. Criteria: Invitae Variant Classification Sherloc (09022015). Collection method: clinical testing. Allele origin: germline.
Comment: This sequence change replaces valine with aspartic acid at codon 532 of the SCN3A protein (p.Val532Asp). The valine residue is moderately conserved and there is a large physicochemical difference between valine and aspartic acid. This variant is not present in population databases (ExAC no frequency). This variant has not been reported in the literature in individuals with SCN3A-related conditions. Algorithms developed to predict the effect of missense changes on protein structure and function are either unavailable or do not agree on the potential impact of this missense change (SIFT: "Deleterious"; PolyPhen-2: "Possibly Damaging"; Align-GVGD: "Class C15"). In summary, the available evidence is currently insufficient to determine the role of this variant in disease. Therefore, it has been classified as a Variant of Uncertain Significance.

NM_006922.4(SCN3A):c.1595T>A (p.Val532Asp)

Gene: SCN3A (sodium voltage-gated channel alpha subunit 3; minus strand). Cytogenetic location: 2q24.3.
Variant type: single nucleotide variant.
Coding change: c.1595T>A on transcript NM_006922.4 (MANE Select); coding-DNA position 1595, T replaced by A.
Protein change: p.Val532Asp; replaces valine 532 with aspartic acid.
Molecular consequence: missense variant.
Genome position (GRCh38, 1-based): chr2:165,146,815, A>T on the plus strand (T>A on the coding strand, the complement: SCN3A is on the minus strand). VCF-style: chr2-165146815-A-T. GRCh37 (hg19) VCF-style: chr2-166003325-A-T.
Other names: c.1595T>A, p.Val532Asp (NM_001081676.2, NM_001081677.2); short protein forms V532D.
Identifiers: ClinVar variation 957312 (VCV000957312.1), dbSNP rs551260434, ClinGen allele CA349236406.
Genomic context (GRCh38, chr2:165,146,815, plus strand): 5'-AATTTTTTGTCACTGGTCAGTCTGTTTCCATCCATGGAGAAAAGGAAGCTGCTTCTTTTG[A>T]CGCTGTCTTCAGATTCGGATTTGGGAAAGCTGTCTCTCTCTCCTTTGTTGTTTCCTTCAA-3'
Protein context (NP_008853.3, residues 522-542): SFPKSESEDS[Val532Asp]KRSSFLFSMD